The following is an entry in ClinVar:

ClinVar aggregate classification (germline): Uncertain significance. Review status: criteria provided, multiple submitters, no conflicts (2 of 4 stars). 2 submissions from 2 submitters: Uncertain significance (2). Last evaluated 2025-01-10.

Conditions:
DICER1-related tumor predisposition. Also called: DICER1-related pleuropulmonary blastoma cancer predisposition syndrome; DICER1 syndrome. Identifiers: Orphanet 284343, MedGen C3839822, MONDO:0100216.
Hereditary cancer-predisposing syndrome. Also called: Hereditary Cancer Syndrome; Tumor predisposition; Hereditary neoplastic syndrome; Neoplastic Syndromes, Hereditary. Identifiers: Orphanet 140162, MedGen C0027672, MeSH D009386, MONDO:0015356.

Submissions (2):

Ambry Genetics
Classification: Uncertain significance for Hereditary cancer-predisposing syndrome. Last evaluated: 2025-01-10. Review status: criteria provided, single submitter. Criteria: Ambry Variant Classification Scheme 2023. Collection method: clinical testing. Allele origin: germline.
Comment: The p.R490P variant (also known as c.1469G>C), located in coding exon 8 of the DICER1 gene, results from a G to C substitution at nucleotide position 1469. The arginine at codon 490 is replaced by proline, an amino acid with dissimilar properties. This amino acid position is conserved. In addition, this alteration is predicted to be deleterious by in silico analysis. Based on the available evidence, the clinical significance of this variant remains unclear.

Labcorp Genetics (formerly Invitae), Labcorp
Classification: Uncertain significance for DICER1-related tumor predisposition. Last evaluated: 2020-05-26. Review status: criteria provided, single submitter. Criteria: Invitae Variant Classification Sherloc (09022015). Collection method: clinical testing. Allele origin: germline.
Comment: This sequence change replaces arginine with proline at codon 490 of the DICER1 protein (p.Arg490Pro). The arginine residue is highly conserved and there is a moderate physicochemical difference between arginine and proline. This variant is not present in population databases (ExAC no frequency). This variant has not been reported in the literature in individuals with DICER1-related conditions. Algorithms developed to predict the effect of missense changes on protein structure and function are either unavailable or do not agree on the potential impact of this missense change (SIFT: "Tolerated"; PolyPhen-2: "Probably Damaging"; Align-GVGD: "Class C0"). In summary, the available evidence is currently insufficient to determine the role of this variant in disease. Therefore, it has been classified as a Variant of Uncertain Significance.

NM_177438.3(DICER1):c.1469G>C (p.Arg490Pro)

Gene: DICER1 (dicer 1, ribonuclease III; minus strand). Cytogenetic location: 14q32.13.
Variant type: single nucleotide variant.
Coding change: c.1469G>C on transcript NM_177438.3 (MANE Select); coding-DNA position 1469, G replaced by C.
Protein change: p.Arg490Pro; replaces arginine 490 with proline.
Molecular consequence: missense variant.
Genome position (GRCh38, 1-based): chr14:95,117,662, C>G on the plus strand (G>C on the coding strand, the complement: DICER1 is on the minus strand). VCF-style: chr14-95117662-C-G. GRCh37 (hg19) VCF-style: chr14-95583999-C-G.
Other names: c.1469G>C (NM_177438.2); c.1469G>C, p.Arg490Pro (NM_001291628.2, NM_030621.4, NM_001195573.1 and 1 more transcripts); short protein forms R490P.
Identifiers: ClinVar variation 1056117 (VCV001056117.11), dbSNP rs1006363970, ClinGen allele CA390885504.